The following is an entry in ClinVar:

NM_024426.6(WT1):c.213G>A (p.Pro71=)

Genes: WT1 (WT1 transcription factor; minus strand), LOC107982234 (WT1/WT1-AS bi-directional promoter region; plus strand). Cytogenetic location: 11p13.
Variant type: single nucleotide variant.
Coding change: c.213G>A on transcript NM_024426.6 (MANE Select); coding-DNA position 213, G replaced by A.
Protein change: p.Pro71=; no amino-acid change (proline 71 retained).
Molecular consequence: synonymous variant. On other transcripts: 5 prime UTR variant (4), non-coding transcript variant (2).
Genome position (GRCh38, 1-based): chr11:32,435,148, C>T on the plus strand (G>A on the coding strand, the complement: WT1 is on the minus strand). VCF-style: chr11-32435148-C-T. GRCh37 (hg19) VCF-style: chr11-32456694-C-T.
Other names: c.213G>A, p.Pro71= (NM_000378.6, NM_001407044.1, NM_001407045.1 and 6 more transcripts); c.-7G>A (NM_001429031.1, NM_001429032.1, NM_001429033.1 and 1 more transcripts).
Identifiers: ClinVar variation 4084807 (VCV004084807.8).

ClinVar aggregate classification (germline): Likely benign (1 of 4 stars; one submission).

Submission:

CeGaT Center for Human Genetics Tuebingen
Classification: Likely benign. Last evaluated: 2025-08-01. Review status: criteria provided, single submitter. Criteria: CeGaT Center For Human Genetics Tuebingen Variant Classification Criteria Version 2. Collection method: clinical testing. Allele origin: germline. Affected: yes. Observed: 1 variant allele.
Comment: WT1: PM2:Supporting, BP4, BP7